The following is an entry in ClinVar:

NM_005222.4(DLX6):c.246G>C (p.Ala82=)

Genes: DLX6 (distal-less homeobox 6; plus strand), DLX6-AS1 (DLX6 antisense RNA 1; minus strand). Cytogenetic location: 7q21.3.
Variant type: single nucleotide variant.
Coding change: c.246G>C on transcript NM_005222.4 (MANE Select); coding-DNA position 246, G replaced by C.
Protein change: p.Ala82=; no amino-acid change (alanine 82 retained).
Molecular consequence: synonymous variant.
Genome position (GRCh38, 1-based): chr7:97,006,223, G>C. VCF-style: chr7-97006223-G-C. GRCh37 (hg19) VCF-style: chr7-96635535-G-C.
Identifiers: ClinVar variation 3350426 (VCV003350426.1).
Genomic context (GRCh38, chr7:97,006,223, plus strand): 5'-GGCCATGGCAGGCGCGCACTACCCTCTGCACTGCCTGCACTCGGCGGCGGCGGCGGCAGC[G>C]GCCGGCTCGCACCACCACCACCACCACCAGCACCACCACCACGGCTCGCCCTACGCGTCG-3'
Protein context (NP_005213.3, residues 72-92): HCLHSAAAAA[Ala82=]AGSHHHHHHQ

ClinVar aggregate classification (germline): Likely benign (0 of 4 stars; one submission).

Conditions:
DLX6-related disorder. Also called: DLX6-related condition.

Submission:

PreventionGenetics, part of Exact Sciences
Classification: Likely benign for DLX6-related condition. Last evaluated: 2024-06-10. Review status: no assertion criteria provided. Collection method: clinical testing. Allele origin: germline.
Comment: This variant is classified as likely benign based on ACMG/AMP sequence variant interpretation guidelines (Richards et al. 2015 PMID: 25741868, with internal and published modifications).